The following is an entry in ClinVar:

ClinVar aggregate classification (germline): Uncertain significance. Review status: criteria provided, multiple submitters, no conflicts (2 of 4 stars). 2 submissions from 2 submitters: Uncertain significance (2). Last evaluated 2025-09-19.

Allele frequency attached by ClinVar (database versions not stated): TOPMed below 0.00001; ExAC 0.00002.
gnomAD v4.1: 9 of 1,592,384 alleles (0.00057%); highest among the groups gnomAD compares: South Asian, 0.0022%; no homozygotes.

Submissions (2):

Athena Diagnostics
Classification: Uncertain significance. Last evaluated: 2025-09-19. Review status: criteria provided, single submitter. Criteria: Athena Diagnostics Criteria. Collection method: clinical testing. Allele origin: unknown.
Comment: Available data are insufficient to determine the clinical significance of the variant at this time. The frequency of this variant in the general population is uninformative in assessment of its pathogenicity. This variant has been seen where an alternate explanation for disease was also identified, suggesting this variant may not cause disease. Polyphen and MutationTaster yielded discordant predictions regarding whether this amino acid change is damaging to the protein.

Labcorp Genetics (formerly Invitae), Labcorp
Classification: Uncertain significance. Last evaluated: 2022-09-07. Review status: criteria provided, single submitter. Criteria: Invitae Variant Classification Sherloc (09022015). Collection method: clinical testing. Allele origin: germline.
Comment: Advanced modeling of protein sequence and biophysical properties (such as structural, functional, and spatial information, amino acid conservation, physicochemical variation, residue mobility, and thermodynamic stability) performed at Invitae indicates that this missense variant is expected to disrupt KCNC3 protein function. This sequence change replaces serine, which is neutral and polar, with leucine, which is neutral and non-polar, at codon 571 of the KCNC3 protein (p.Ser571Leu). This variant is present in population databases (rs759607995, gnomAD 0.007%). This variant has not been reported in the literature in individuals affected with KCNC3-related conditions. In summary, the available evidence is currently insufficient to determine the role of this variant in disease. Therefore, it has been classified as a Variant of Uncertain Significance.

NM_004977.3(KCNC3):c.1712C>T (p.Ser571Leu)

Gene: KCNC3 (potassium voltage-gated channel subfamily C member 3; minus strand). Cytogenetic location: 19q13.33.
Variant type: single nucleotide variant.
Coding change: c.1712C>T on transcript NM_004977.3 (MANE Select); coding-DNA position 1712, C replaced by T.
Protein change: p.Ser571Leu; replaces serine 571 with leucine.
Molecular consequence: missense variant.
Genome position (GRCh38, 1-based): chr19:50,323,241, G>A on the plus strand (C>T on the coding strand, the complement: KCNC3 is on the minus strand). VCF-style: chr19-50323241-G-A. GRCh37 (hg19) VCF-style: chr19-50826498-G-A.
Other names: c.1712C>T (NM_004977.2); c.1484C>T, p.Ser495Leu (NM_001372305.1); short protein forms S571L, S495L.
Identifiers: ClinVar variation 1964282 (VCV001964282.6), dbSNP rs759607995, ClinGen allele CA9594184.